The following is an entry in ClinVar:

ClinVar aggregate classification (germline): Uncertain significance (1 of 4 stars; one submission).

Conditions:
Developmental and epileptic encephalopathy, 53. Also called: Epileptic encephalopathy, early infantile, 53. Identifiers: MedGen C4479313, MONDO:0033362, OMIM 617389.
Early-onset Parkinson disease 20. Also called: PARKINSON DISEASE 20, AUTOSOMAL RECESSIVE EARLY-ONSET. Identifiers: Orphanet 391411, MedGen C3809824, MONDO:0014233, OMIM 615530.

Submission:

Labcorp Genetics (formerly Invitae), Labcorp
Classification: Uncertain significance for Developmental and epileptic encephalopathy, 53; Early-onset Parkinson disease 20. Last evaluated: 2025-06-11. Review status: criteria provided, single submitter. Criteria: Invitae Variant Classification Sherloc (09022015). Collection method: clinical testing. Allele origin: germline.
Comment: This variant, c.69_71del, results in the deletion of 1 amino acid(s) of the SYNJ1 protein (p.Arg27del), but otherwise preserves the integrity of the reading frame. This variant is present in population databases (rs768123689, gnomAD 0.007%). This variant has not been reported in the literature in individuals affected with SYNJ1-related conditions. Experimental studies and prediction algorithms are not available or were not evaluated, and the functional significance of this variant is currently unknown. In summary, the available evidence is currently insufficient to determine the role of this variant in disease. Therefore, it has been classified as a Variant of Uncertain Significance.

NM_203446.3(SYNJ1):c.-49_-47del

Gene: SYNJ1 (synaptojanin 1; minus strand). Cytogenetic location: 21q22.11.
Variant type: Deletion.
Coding change: c.-49_-47del on transcript NM_203446.3 (MANE Select); 49 bases upstream of the start codon through 47 bases upstream of the start codon, 3 bases deleted (AAG; older notation c.-49_-47delAAG).
Molecular consequence: 5 prime UTR variant.
Genome position (GRCh38, 1-based): chr21:32,727,970-32,727,972, CTT deleted on the plus strand (AAG on the coding strand, the reverse complement: SYNJ1 is on the minus strand); deleting any 3 consecutive bases within chr21:32,727,970-32,727,974 gives the same sequence; the c. name uses the placement nearest the transcript's 3' end. VCF-style (leftmost placement, unchanged base first): chr21-32727969-CCTT-C. GRCh37 (hg19) VCF-style: chr21-34100280-CCTT-C.
Other names: c.69_71del, p.Arg27del (NM_003895.4); short protein forms R27del.
Identifiers: ClinVar variation 4795014 (VCV004795014.1).